The following is an entry in ClinVar:

NM_003797.5(EED):c.689G>C (p.Gly230Ala)

Gene: EED (embryonic ectoderm development; plus strand). Cytogenetic location: 11q14.2.
Variant type: single nucleotide variant.
Coding change: c.689G>C on transcript NM_003797.5 (MANE Select); coding-DNA position 689, G replaced by C.
Protein change: p.Gly230Ala; replaces glycine 230 with alanine.
Molecular consequence: missense variant.
Genome position (GRCh38, 1-based): chr11:86,264,226, G>C. VCF-style: chr11-86264226-G-C. GRCh37 (hg19) VCF-style: chr11-85975268-G-C.
Other names: c.689G>C, p.Gly230Ala (NM_001308007.2, NM_001330334.2); short protein forms G230A.
Identifiers: ClinVar variation 3359045 (VCV003359045.2).
Genomic context (GRCh38, chr11:86,264,226, plus strand): 5'-TACTAGATCATGCTTTACGATTATGGAATATCCAGACGGACACTCTGGTGGCAATATTTG[G>C]AGGCGTAGAAGGGCACAGAGATGAAGTTCTAAGTGCTGTAAGTTGGAAACTGCAGGGCAA-3'
Protein context (NP_003788.2, residues 220-240): IQTDTLVAIF[Gly230Ala]GVEGHRDEVL

ClinVar aggregate classification (germline): Uncertain significance (1 of 4 stars; one submission).

Conditions:
Cohen-Gibson syndrome (COGIS). Also called: EED-Related Overgrowth. Identifiers: Orphanet 659396, MedGen C4479654, MONDO:0060510, OMIM 617561.

Submission:

Institute of Human Genetics, University of Leipzig Medical Center
Classification: Uncertain significance for Cohen-Gibson syndrome. Last evaluated: 2024-09-16. Review status: criteria provided, single submitter. Criteria: ACMG Guidelines, 2015. Collection method: clinical testing. Allele origin: unknown. Inheritance: Autosomal dominant inheritance. Affected: yes.
Comment: Criteria applied: PM2,PP2